The following is an entry in ClinVar:

ClinVar aggregate classification (germline): Uncertain significance (1 of 4 stars; one submission).

Conditions:
GLI2-related disorder. Also called: GLI2-related condition; GLI2-related disorders.

gnomAD v4.1: 3 of 1,534,960 alleles (0.0002%); highest among the groups gnomAD compares: Admixed American, 0.0038%; no homozygotes.

Submission:

PreventionGenetics, part of Exact Sciences
Classification: Uncertain significance for GLI2-related condition. Last evaluated: 2025-10-30. Review status: criteria provided, single submitter. Criteria: ACMG Guidelines, 2015. Collection method: clinical testing. Allele origin: germline.
Comment: The GLI2 c.2585C>T variant is predicted to result in the amino acid substitution p.Ala862Val. This variant has been reported in an individual in a cohort study on polydactylies (Suppl Table 3. Zu et al. 2021. PubMed ID: 34194672). This variant is reported in 0.0081% of alleles in individuals of Latino descent in gnomAD. At this time, the clinical significance of this variant is uncertain due to the absence of conclusive functional and genetic evidence.

NM_001374353.1(GLI2):c.2534C>T (p.Ala845Val)

Gene: GLI2 (GLI family zinc finger 2; plus strand). Cytogenetic location: 2q14.2.
Variant type: single nucleotide variant.
Coding change: c.2534C>T on transcript NM_001374353.1 (MANE Select); coding-DNA position 2534, C replaced by T.
Protein change: p.Ala845Val; replaces alanine 845 with valine.
Molecular consequence: missense variant.
Genome position (GRCh38, 1-based): chr2:120,988,499, C>T. VCF-style: chr2-120988499-C-T. GRCh37 (hg19) VCF-style: chr2-121746075-C-T.
Other names: c.2585C>T, p.Ala862Val (NM_001371271.1, NM_005270.5); c.2159C>T, p.Ala720Val (NM_001374354.1); short protein forms A862V, A720V, A845V.
Identifiers: ClinVar variation 4991334 (VCV004991334.1).